The following is an entry in ClinVar:

ClinVar aggregate classification (germline): Uncertain significance (1 of 4 stars; one submission).

Allele frequency attached by ClinVar (database versions not stated): gnomAD exomes below 0.00001.
gnomAD v4.1: 1 of 1,614,208 alleles (0.000062%); highest among the groups gnomAD compares: Non-Finnish European, 0.000085%; no homozygotes.

Submission:

Labcorp Genetics (formerly Invitae), Labcorp
Classification: Uncertain significance. Last evaluated: 2019-06-19. Review status: criteria provided, single submitter. Criteria: Invitae Variant Classification Sherloc (09022015). Collection method: clinical testing. Allele origin: germline.
Comment: In summary, the available evidence is currently insufficient to determine the role of this variant in disease. Therefore, it has been classified as a Variant of Uncertain Significance. Algorithms developed to predict the effect of missense changes on protein structure and function (SIFT, PolyPhen-2, Align-GVGD) all suggest that this variant is likely to be tolerated, but these predictions have not been confirmed by published functional studies and their clinical significance is uncertain. This variant has not been reported in the literature in individuals with ASAH1-related conditions. This variant is not present in population databases (ExAC no frequency). This sequence change replaces alanine with serine at codon 201 of the ASAH1 protein (p.Ala201Ser). The alanine residue is moderately conserved and there is a moderate physicochemical difference between alanine and serine.

NM_177924.5(ASAH1):c.601G>T (p.Ala201Ser)

Gene: ASAH1 (N-acylsphingosine amidohydrolase 1; minus strand). Cytogenetic location: 8p22.
Variant type: single nucleotide variant.
Coding change: c.601G>T on transcript NM_177924.5 (MANE Select); coding-DNA position 601, G replaced by T.
Protein change: p.Ala201Ser; replaces alanine 201 with serine.
Molecular consequence: missense variant.
Genome position (GRCh38, 1-based): chr8:18,062,326, C>A on the plus strand (G>T on the coding strand, the complement: ASAH1 is on the minus strand). VCF-style: chr8-18062326-C-A. GRCh37 (hg19) VCF-style: chr8-17919835-C-A.
Other names: c.583G>T, p.Ala195Ser (NM_001127505.3); c.406G>T, p.Ala136Ser (NM_001363743.2); c.649G>T, p.Ala217Ser (NM_004315.6); short protein forms A195S, A136S, A201S, A217S.
Identifiers: ClinVar variation 946071 (VCV000946071.6), dbSNP rs1211853952, ClinGen allele CA370429962.